The following is an entry in ClinVar:

NM_001127496.3(SPRY4):c.555G>T (p.Glu185Asp)

Gene: SPRY4 (sprouty RTK signaling antagonist 4; minus strand). Cytogenetic location: 5q31.3.
Variant type: single nucleotide variant.
Coding change: c.555G>T on transcript NM_001127496.3 (MANE Select); coding-DNA position 555, G replaced by T.
Protein change: p.Glu185Asp; replaces glutamic acid 185 with aspartic acid.
Molecular consequence: missense variant.
Genome position (GRCh38, 1-based): chr5:142,314,554, C>A on the plus strand (G>T on the coding strand, the complement: SPRY4 is on the minus strand). VCF-style: chr5-142314554-C-A. GRCh37 (hg19) VCF-style: chr5-141694119-C-A.
Other names: c.555G>T, p.Glu185Asp (NM_001293289.3, NM_001293290.3); c.624G>T, p.Glu208Asp (NM_030964.5); short protein forms E185D, E208D.
Identifiers: ClinVar variation 3621990 (VCV003621990.2).

ClinVar aggregate classification (germline): Uncertain significance (1 of 4 stars; one submission).

Submission:

Labcorp Genetics (formerly Invitae), Labcorp
Classification: Uncertain significance. Last evaluated: 2025-02-23. Review status: criteria provided, single submitter. Criteria: Invitae Variant Classification Sherloc (09022015). Collection method: clinical testing. Allele origin: germline.
Comment: This sequence change replaces glutamic acid, which is acidic and polar, with aspartic acid, which is acidic and polar, at codon 208 of the SPRY4 protein (p.Glu208Asp). This variant is present in population databases (rs764394159, gnomAD 0.009%). This variant has not been reported in the literature in individuals affected with SPRY4-related conditions. An algorithm developed to predict the effect of missense changes on protein structure and function (PolyPhen-2) suggests that this variant is likely to be disruptive. In summary, the available evidence is currently insufficient to determine the role of this variant in disease. Therefore, it has been classified as a Variant of Uncertain Significance.